The following is an entry in ClinVar:

NM_144672.4(OTOA):c.3377T>C (p.Leu1126Pro)

Gene: OTOA (otoancorin). Cytogenetic location: 16p12.2.
Variant type: single nucleotide variant.
Coding change: c.3377T>C on transcript NM_144672.4 (MANE Select); coding-DNA position 3377, T replaced by C.
Protein change: p.Leu1126Pro; replaces leucine 1126 with proline.
Molecular consequence: missense variant.
Genome position (GRCh38, 1-based): chr16:21,760,497, T>C. VCF-style: chr16-21760497-T-C. GRCh37 (hg19) VCF-style: chr16-21771818-T-C.
Other names: c.3140T>C, p.Leu1047Pro (NM_001161683.2); c.2405T>C, p.Leu802Pro (NM_170664.3); short protein forms L1126P, L802P, L1047P.
Identifiers: ClinVar variation 164828 (VCV000164828.10), dbSNP rs568139514, ClinGen allele CA177536.

ClinVar aggregate classification (germline): Uncertain significance. Review status: criteria provided, multiple submitters, no conflicts (2 of 4 stars). 4 submissions from 4 submitters: Uncertain significance (4). Last evaluated 2024-10-03.

Conditions:
Inborn genetic diseases. Identifiers: MedGen C0950123, MeSH D030342.
Hearing impairment. Also called: Impaired Hearing. Identifiers: MedGen C1384666, MONDO:0005365, HP:0000365.

Allele frequency attached by ClinVar (database versions not stated): gnomAD 0.00014 and 0.00019; gnomAD exomes 0.00024; ExAC 0.00028; 1000 Genomes Project 30x 0.00031; 1000 Genomes Project 0.00040.

Submissions (4):

Blueprint Genetics
Classification: Uncertain significance. Last evaluated: 2024-10-03. Review status: criteria provided, single submitter. Criteria: ACMG Guidelines, 2015. Collection method: clinical testing. Allele origin: germline.

Ambry Genetics
Classification: Uncertain significance for Inborn genetic diseases. Last evaluated: 2024-01-08. Review status: criteria provided, single submitter. Criteria: Ambry Variant Classification Scheme 2023. Collection method: clinical testing. Allele origin: germline.

Department of Otolaryngology – Head & Neck Surgery, Cochlear Implant Center
Classification: Uncertain significance for Hearing impairment. Last evaluated: 2021-04-12. Review status: criteria provided, single submitter. Criteria: ClinGen HL ACMG Specifications v1. Collection method: clinical testing. Allele origin: germline. Affected: yes.
Comment: PM2_Supporting, BP4_Supporting

Laboratory for Molecular Medicine, Mass General Brigham Personalized Medicine
Classification: Uncertain significance. Last evaluated: 2013-08-16. Review status: criteria provided, single submitter. Criteria: LMM Criteria. Collection method: clinical testing. Allele origin: germline. Observed: 2 variant alleles.
Comment: The Leu1126Pro variant in OTOA has been previously identified in two individuals with hearing loss by our laboratory, however neither patient carried a second O TOA variant and one individual had pathogenic variants in another gene that expl ained the hearing loss. Computational analyses (biochemical amino acid propertie s, conservation, AlignGVGD, PolyPhen2, and SIFT) do not provide strong support f or or against an impact to the protein. In summary, additional data is needed to determine the clinical significance of this variant.